The following is an entry in ClinVar:

ClinVar aggregate classification (germline): Pathogenic (0 of 4 stars; one submission).

Conditions:
Pyruvate dehydrogenase E1-alpha deficiency (PDHAD). Also called: ATAXIA, INTERMITTENT, WITH PYRUVATE DEHYDROGENASE DEFICIENCY; ATAXIA WITH LACTIC ACIDOSIS I; ATAXIA, INTERMITTENT, WITH ABNORMAL PYRUVATE METABOLISM; Ataxia, intermittent, with pyruvate dehydrogenase, or decarboxylase, deficiency. Identifiers: Orphanet 79243, MedGen C1839413, MONDO:0010717, OMIM 312170.

Submission:

PDHA1 Study Group, University Children’s Hospital, Paracelsus Medical University
Classification: Pathogenic for Pyruvate dehydrogenase E1-alpha deficiency. Last evaluated: 2024-10-15. Review status: no assertion criteria provided. Collection method: research. Allele origin: germline. Affected: yes. Observed: 1 variant allele.
Comment: The NM_000284.3:c.966_1011dup (p.Ile338_Ser390delinsGlnAspGlyGluGlnGlnSerCysGlnCysGlyArgThrLysGlyThrValThrCysSerTrpTrpPheGluGlyTrpLeu) change is a frameshift variant in PDHA1 gene. This variant is predicted to escape nonsense-mediated decay (NMD). These include . The variant has been reported in 1 published case (PMIDs: 35094435). Last literature search: July 12, 2024. This variant is absent or extremely rare in population-based cohorts in the Genome Aggregation Database (gnomAD). Individuals harboring this variant presented with clinical features compatible with PDHA1-related PDHc deficiency. In summary, this variant meets criteria to be classified as pathogenic (P) for PDHA1-related PDHc deficiency based on the ACMG/AMP criteria applied: PVS1, PM2 (last assessment October 15, 2024).

Literature cited by the submitters: PubMed 35094435; DOI 10.1093/brain/awaf430.

NM_000284.3:c.966_1011dup

Gene: PDHA1 (pyruvate dehydrogenase E1 subunit alpha 1; plus strand).
Variant type: Duplication.
Identifiers: ClinVar variation 4070416 (VCV004070416.1).